The following is an entry in ClinVar:

ClinVar aggregate classification (germline): Uncertain significance. Review status: criteria provided, multiple submitters, no conflicts (2 of 4 stars). 7 submissions from 4 submitters: Uncertain significance (7). Last evaluated 2026-01-21.

Conditions:
Hypokalemic periodic paralysis, type 1. Also called: HypoPP; Hypokalemic Periodic Paralysis Type 1 (AD). Identifiers: Orphanet 681, MedGen C3714580, MONDO:0042979, OMIM 170400.
Malignant hyperthermia, susceptibility to, 5 (MHS5). Also called: CACNA1S-Related Malignant Hyperthermia Susceptibility. Identifiers: Orphanet 423, MedGen C1866077, MONDO:0011163, OMIM 601887.
Thyrotoxic periodic paralysis, susceptibility to, 1 (TTPP1). Identifiers: Orphanet 79102, MedGen C2749982, MONDO:0008570, OMIM 188580.
Congenital myopathy 18. Also called: Myopathy, congenital, due to dihydropyridine receptor defect; DIHYDROPYRIDINE RECEPTOR CONGENITAL MYOPATHY; DHPR CONGENITAL MYOPATHY. Identifiers: MedGen C5830283, MONDO:0859514, OMIM 620246.

Allele frequency attached by ClinVar (database versions not stated): ExAC 0.00001; TOPMed 0.00001; gnomAD exomes 0.00002.
gnomAD v4.1: 7 of 1,614,096 alleles (0.00043%); highest among the groups gnomAD compares: Non-Finnish European, 0.00059%; no homozygotes.

Submissions (7):

Labcorp Genetics (formerly Invitae), Labcorp
Classification: Uncertain significance for Hypokalemic periodic paralysis, type 1; Malignant hyperthermia, susceptibility to, 5. Last evaluated: 2026-01-21. Review status: criteria provided, single submitter. Criteria: Invitae Variant Classification Sherloc (09022015). Collection method: clinical testing. Allele origin: germline.
Comment: This sequence change replaces proline, which is neutral and non-polar, with leucine, which is neutral and non-polar, at codon 758 of the CACNA1S protein (p.Pro758Leu). This variant is present in population databases (rs759887262, gnomAD 0.003%). This missense change has been observed in individual(s) with malignant hyperthermia susceptibility (PMID: 30236257). ClinVar contains an entry for this variant (Variation ID: 1035543). Invitae Evidence Modeling of protein sequence and biophysical properties (such as structural, functional, and spatial information, amino acid conservation, physicochemical variation, residue mobility, and thermodynamic stability) indicates that this missense variant is not expected to disrupt CACNA1S protein function with a negative predictive value of 95%. In summary, the available evidence is currently insufficient to determine the role of this variant in disease. Therefore, it has been classified as a Variant of Uncertain Significance.

All of Us Research Program, National Institutes of Health
Classification: Uncertain significance for Malignant hyperthermia, susceptibility to, 5. Last evaluated: 2024-09-27. Review status: criteria provided, single submitter. Criteria: ACMG Guidelines, 2015. Collection method: clinical testing. Allele origin: germline. Inheritance: Autosomal dominant inheritance. Observed: 3 variant alleles, 3 heterozygotes.
Comment: This missense variant replaces proline with leucine at codon 758 of the CACNA1S protein. Computational prediction is inconclusive regarding the impact of this variant on protein structure and function (internally defined REVEL score threshold 0.5 < inconclusive < 0.7, PMID: 27666373). To our knowledge, functional studies have not been reported for this variant. This variant has been reported in one family affected with malignant hyperthermia susceptibility (PMID: 30236257). This variant has been identified in 4/251394 chromosomes in the general population by the Genome Aggregation Database (gnomAD). The available evidence is insufficient to determine the role of this variant in disease conclusively. Therefore, this variant is classified as a Variant of Uncertain Significance.

This study involves interpretation of variants in research participants for the purpose of population health screening. Participant phenotype was not available at the time of variant classification. Additional details can be found in publication PMID: 35346344, PMCID: PMC8962531

Fulgent Genetics
Classification: Uncertain significance for Hypokalemic periodic paralysis, type 1; Thyrotoxic periodic paralysis, susceptibility to, 1; Malignant hyperthermia, susceptibility to, 5; Congenital myopathy 18. Last evaluated: 2024-02-20. Review status: criteria provided, single submitter. Criteria: ACMG Guidelines, 2015. Collection method: clinical testing. Allele origin: germline.

Genome-Nilou Lab
Classification: Uncertain significance for Malignant hyperthermia, susceptibility to, 5. Last evaluated: 2023-04-11. Review status: criteria provided, single submitter. Criteria: ACMG Guidelines, 2015. Collection method: clinical testing. Allele origin: germline. Affected: no.

Genome-Nilou Lab
Classification: Uncertain significance for Thyrotoxic periodic paralysis, susceptibility to, 1. Last evaluated: 2023-04-11. Review status: criteria provided, single submitter. Criteria: ACMG Guidelines, 2015. Collection method: clinical testing. Allele origin: germline. Affected: no.

Genome-Nilou Lab
Classification: Uncertain significance for Congenital myopathy 18. Last evaluated: 2023-04-11. Review status: criteria provided, single submitter. Criteria: ACMG Guidelines, 2015. Collection method: clinical testing. Allele origin: germline. Affected: no.

Genome-Nilou Lab
Classification: Uncertain significance for Hypokalemic periodic paralysis, type 1. Last evaluated: 2023-04-11. Review status: criteria provided, single submitter. Criteria: ACMG Guidelines, 2015. Collection method: clinical testing. Allele origin: germline. Affected: no.

Literature cited by the submitters: PubMed 30236257 (cited by Labcorp Genetics (formerly Invitae), Labcorp and All of Us Research Program, National Institutes of Health).

NM_000069.3(CACNA1S):c.2273C>T (p.Pro758Leu)

Gene: CACNA1S (calcium voltage-gated channel subunit alpha1 S; minus strand). Cytogenetic location: 1q32.1.
Variant type: single nucleotide variant.
Coding change: c.2273C>T on transcript NM_000069.3 (MANE Select); coding-DNA position 2273, C replaced by T.
Protein change: p.Pro758Leu; replaces proline 758 with leucine.
Molecular consequence: missense variant.
Genome position (GRCh38, 1-based): chr1:201,070,359, G>A on the plus strand (C>T on the coding strand, the complement: CACNA1S is on the minus strand). VCF-style: chr1-201070359-G-A. GRCh37 (hg19) VCF-style: chr1-201039487-G-A.
Other names: short protein forms P758L.
Identifiers: ClinVar variation 1035543 (VCV001035543.14), dbSNP rs759887262, ClinGen allele CA078913.
Genomic context (GRCh38, chr1:201,070,359, plus strand): 5'-GAGCTGGCTTCTGGAATGGGCACGGCCTTCTCTTTCAGCTGCAGCTCAGCCAGGGGACGT[G>A]GTCGGGGGCTCAGCGGGATCTCAGGCTCATCTTCCTCGTCATCCCCTGTGGGGAGAGAGA-3'
Protein context (NP_000060.2, residues 748-768): DEPEIPLSPR[Pro758Leu]RPLAELQLKE